The following is an entry in ClinVar:

ClinVar aggregate classification (germline): Uncertain significance. Review status: criteria provided, multiple submitters, no conflicts (2 of 4 stars). 2 submissions from 2 submitters: Uncertain significance (2). Last evaluated 2025-01-19.

Conditions:
Deficiency of alpha-mannosidase (MANSA). Also called: LYSOSOMAL ALPHA-D-MANNOSIDASE DEFICIENCY; Mannosidosis, alpha-, types I and II; Alpha-Mannosidosis. Identifiers: Orphanet 61, MedGen C0024748, MONDO:0009561, OMIM 248500.
Inborn genetic diseases. Identifiers: MedGen C0950123, MeSH D030342.

Allele frequency attached by ClinVar (database versions not stated): gnomAD 0.00002; TOPMed 0.00002; ESP Exome Variant Server 0.00008.
gnomAD v4.1: 19 of 1,613,942 alleles (0.0012%); highest among the groups gnomAD compares: Non-Finnish European, 0.0016%; no homozygotes.

Submissions (2):

Ambry Genetics
Classification: Uncertain significance for Inborn genetic diseases. Last evaluated: 2025-01-19. Review status: criteria provided, single submitter. Criteria: Ambry Variant Classification Scheme 2023. Collection method: clinical testing. Allele origin: germline.

Labcorp Genetics (formerly Invitae), Labcorp
Classification: Uncertain significance for Deficiency of alpha-mannosidase. Last evaluated: 2022-06-12. Review status: criteria provided, single submitter. Criteria: Invitae Variant Classification Sherloc (09022015). Collection method: clinical testing. Allele origin: germline.
Comment: This sequence change replaces lysine, which is basic and polar, with asparagine, which is neutral and polar, at codon 727 of the MAN2B1 protein (p.Lys727Asn). This variant is not present in population databases (gnomAD no frequency). This variant has not been reported in the literature in individuals affected with MAN2B1-related conditions. Algorithms developed to predict the effect of missense changes on protein structure and function are either unavailable or do not agree on the potential impact of this missense change (SIFT: "Deleterious"; PolyPhen-2: "Probably Damaging"; Align-GVGD: "Class C0"). In summary, the available evidence is currently insufficient to determine the role of this variant in disease. Therefore, it has been classified as a Variant of Uncertain Significance.

NM_000528.4(MAN2B1):c.2181G>C (p.Lys727Asn)

Gene: MAN2B1 (mannosidase alpha class 2B member 1; minus strand). Cytogenetic location: 19p13.13.
Variant type: single nucleotide variant.
Coding change: c.2181G>C on transcript NM_000528.4 (MANE Select); coding-DNA position 2181, G replaced by C.
Protein change: p.Lys727Asn; replaces lysine 727 with asparagine.
Molecular consequence: missense variant.
Genome position (GRCh38, 1-based): chr19:12,649,999, C>G on the plus strand (G>C on the coding strand, the complement: MAN2B1 is on the minus strand). VCF-style: chr19-12649999-C-G. GRCh37 (hg19) VCF-style: chr19-12760813-C-G.
Other names: c.2181G>C (NM_000528.3); c.2178G>C, p.Lys726Asn (NM_001173498.2); short protein forms K727N, K726N.
Identifiers: ClinVar variation 2183329 (VCV002183329.2), dbSNP rs142210875, ClinGen allele CA305462760.